The following is an entry in ClinVar:

NC_000015.9:g.(?_28171253)_(28277329_?)dup

Gene: OCA2 (OCA2 melanosomal transmembrane protein; minus strand). Cytogenetic location: 15q13.1.
Variant type: Duplication.
Identifiers: ClinVar variation 2422779 (VCV002422779.4).

ClinVar aggregate classification (germline): Pathogenic (1 of 4 stars; one submission).

Submission:

Labcorp Genetics (formerly Invitae), Labcorp
Classification: Pathogenic. Last evaluated: 2023-11-24. Review status: criteria provided, single submitter. Criteria: Invitae Variant Classification Sherloc (09022015). Collection method: clinical testing. Allele origin: germline.
Comment: This variant results in a copy number gain of the genomic region encompassing exon(s) 3-19 of the OCA2 gene. While the exact position of this variant cannot be determined from the data, sub-genic copy number gains are generally in tandem (PMID: 25640679). This variant is predicted to be out-of-frame, and may result in an absent or disrupted protein product. Loss-of-function variants in OCA2 are known to be pathogenic (PMID: 19865097, 21541274). A similar copy number variant has been observed in individual(s) with OCA2-related conditions (Invitae). In at least one individual the data is consistent with being in trans (on the opposite chromosome) from a pathogenic variant. For these reasons, this variant has been classified as Pathogenic.

Literature cited by the submitters: PubMed 25640679; PubMed 19865097; PubMed 21541274.